The following is an entry in ClinVar:

ClinVar aggregate classification (germline): Pathogenic (1 of 4 stars; one submission).

Conditions:
Gorlin syndrome. Also called: Nevoid Basal Cell Carcinoma Syndrome; Basal cell nevus syndrome. Identifiers: Orphanet 377, MedGen C0004779, MONDO:0007187.
Medulloblastoma (MDB). Also called: Medulloblastoma, somatic; MEDULLOBLASTOMA PREDISPOSITION SYNDROME. Identifiers: Orphanet 616, MedGen C0025149, MeSH D008527, MONDO:0007959, OMIM 155255, HP:0002885.

Submission:

Labcorp Genetics (formerly Invitae), Labcorp
Classification: Pathogenic for Gorlin syndrome; Medulloblastoma. Last evaluated: 2022-01-12. Review status: criteria provided, single submitter. Criteria: Invitae Variant Classification Sherloc (09022015). Collection method: clinical testing. Allele origin: germline.
Comment: This sequence change creates a premature translational stop signal (p.Pro32Argfs*64) in the SUFU gene. It is expected to result in an absent or disrupted protein product. Loss-of-function variants in SUFU are known to be pathogenic (PMID: 22508808, 25403219). This variant is not present in population databases (gnomAD no frequency). This variant has not been reported in the literature in individuals affected with SUFU-related conditions. For these reasons, this variant has been classified as Pathogenic.

Literature cited by the submitters: PubMed 22508808; PubMed 25403219.

NM_016169.4(SUFU):c.95del (p.Pro32fs)

Genes: SUFU (SUFU negative regulator of hedgehog signaling; plus strand), LOC130004614 (ATAC-STARR-seq lymphoblastoid silent region 2764; plus strand). Cytogenetic location: 10q24.32.
Variant type: Deletion.
Coding change: c.95del on transcript NM_016169.4 (MANE Select); coding-DNA position 95, one base deleted (C; older notation c.95delC).
Protein change: p.Pro32fs; shifts the reading frame from proline 32.
Molecular consequence: frameshift variant.
Genome position (GRCh38, 1-based): chr10:102,504,247, C deleted; the last of 5 consecutive C bases (chr10:102,504,243-102,504,247); deleting any one gives the same sequence. VCF-style (leftmost placement, unchanged base first): chr10-102504242-TC-T. GRCh37 (hg19) VCF-style: chr10-104263999-TC-T.
Other names: c.95del, p.Pro32fs (NM_001178133.2); short protein forms P32fs.
Identifiers: ClinVar variation 2081497 (VCV002081497.4), dbSNP rs2544831018, ClinGen allele CA2580081193.